The following is an entry in ClinVar:

NM_001035.3(RYR2):c.1316A>C (p.Lys439Thr)

Gene: RYR2 (ryanodine receptor 2; plus strand). Cytogenetic location: 1q43.
Variant type: single nucleotide variant.
Coding change: c.1316A>C on transcript NM_001035.3 (MANE Select); coding-DNA position 1316, A replaced by C.
Protein change: p.Lys439Thr; replaces lysine 439 with threonine.
Molecular consequence: missense variant.
Genome position (GRCh38, 1-based): chr1:237,454,414, A>C. VCF-style: chr1-237454414-A-C. GRCh37 (hg19) VCF-style: chr1-237617714-A-C.
Other names: short protein forms K439T.
Identifiers: ClinVar variation 1000627 (VCV001000627.11), dbSNP rs1658553532, ClinGen allele CA345379935.

ClinVar aggregate classification (germline): Uncertain significance. Review status: criteria provided, multiple submitters, no conflicts (2 of 4 stars). 2 submissions from 2 submitters: Uncertain significance (2). Last evaluated 2021-09-04.

Conditions:
Catecholaminergic polymorphic ventricular tachycardia 1. Also called: RYR2-Related Catecholaminergic Polymorphic Ventricular Tachycardia; VENTRICULAR TACHYCARDIA, CATECHOLAMINERGIC POLYMORPHIC, 1, WITH OR WITHOUT ATRIAL DYSFUNCTION AND/OR DILATED CARDIOMYOPATHY; VENTRICULAR TACHYCARDIA, STRESS-INDUCED POLYMORPHIC 1. Identifiers: Orphanet 3286, MedGen C1631597, MONDO:0011484, OMIM 604772.
Arrhythmogenic right ventricular dysplasia 2. Identifiers: MedGen C1832931.
Ventricular arrhythmias due to cardiac ryanodine receptor calcium release deficiency syndrome. Also called: Autosomal dominant cardiac arrhythmia (Kuhn). Identifiers: MedGen C5542154, MONDO:0020745, OMIM 115000.

Submissions (2):

Fulgent Genetics
Classification: Uncertain significance for Ventricular arrhythmias due to cardiac ryanodine receptor calcium release deficiency syndrome; Catecholaminergic polymorphic ventricular tachycardia 1. Last evaluated: 2021-09-04. Review status: criteria provided, single submitter. Criteria: ACMG Guidelines, 2015. Collection method: clinical testing. Allele origin: unknown.

Labcorp Genetics (formerly Invitae), Labcorp
Classification: Uncertain significance for Catecholaminergic polymorphic ventricular tachycardia 1. Last evaluated: 2020-02-27. Review status: criteria provided, single submitter. Criteria: Invitae Variant Classification Sherloc (09022015). Collection method: clinical testing. Allele origin: germline.
Comment: Algorithms developed to predict the effect of missense changes on protein structure and function are either unavailable or do not agree on the potential impact of this missense change (SIFT: "Deleterious"; PolyPhen-2: "Benign"; Align-GVGD: "Class C0"). This variant has not been reported in the literature in individuals with RYR2-related conditions. This variant is not present in population databases (ExAC no frequency). This sequence change replaces lysine with threonine at codon 439 of the RYR2 protein (p.Lys439Thr). The lysine residue is highly conserved and there is a moderate physicochemical difference between lysine and threonine. In summary, the available evidence is currently insufficient to determine the role of this variant in disease. Therefore, it has been classified as a Variant of Uncertain Significance.